The following is an entry in ClinVar:

ClinVar aggregate classification (germline): Likely benign. Review status: no assertion criteria provided (0 of 4 stars). 2 submissions from 2 submitters: Likely benign (1). 1 of the submissions does not count toward it. Last evaluated 2022-04-22.

Conditions:
TET2-related disorder. Also called: TET2-related condition.

Allele frequency attached by ClinVar (database versions not stated): gnomAD exomes 0.00004 and 0.00018; ESP Exome Variant Server 0.00008; ExAC 0.00023; TOPMed 0.00040; gnomAD 0.00042 and 0.00046.
gnomAD v4.1: 350 of 1,613,828 alleles (0.022%); highest among the groups gnomAD compares: East Asian, 0.13%; 19 homozygotes.

Submissions (2):

PreventionGenetics, part of Exact Sciences
Classification: Likely benign for TET2-related condition. Last evaluated: 2022-04-22. Review status: no assertion criteria provided. Collection method: clinical testing. Allele origin: germline.
Comment: This variant is classified as likely benign based on ACMG/AMP sequence variant interpretation guidelines (Richards et al. 2015 PMID: 25741868, with internal and published modifications).

ITMI
No classification provided. Condition: AllHighlyPenetrant. Last evaluated: 2013-09-19. Review status: no classification provided. Collection method: reference population. Allele origin: germline. Not counted in ClinVar's aggregate classification.
Comment: Please see associated publication for description of ethnicities

Literature cited by the submitters: PubMed 24728327 (cited by ITMI).

NM_001127208.3(TET2):c.3409+70G>A

Genes: TET2 (tet methylcytosine dioxygenase 2; plus strand), TET2-AS1 (TET2 antisense RNA 1; minus strand). Cytogenetic location: 4q24.
Variant type: single nucleotide variant.
Coding change: c.3409+70G>A on transcript NM_001127208.3 (MANE Select); 70 bases into the intron after coding-DNA position 3409, G replaced by A.
Molecular consequence: intron variant. On other transcripts: missense variant (1).
Genome position (GRCh38, 1-based): chr4:105,237,421, G>A. VCF-style: chr4-105237421-G-A. GRCh37 (hg19) VCF-style: chr4-106158578-G-A.
Other names: c.3479G>A, p.Gly1160Glu (NM_017628.4); short protein forms G1160E.
Identifiers: ClinVar variation 135328 (VCV000135328.3), dbSNP rs367758008, ClinGen allele CA162401.